The following is an entry in ClinVar:

ClinVar aggregate classification (germline): Uncertain significance. Review status: criteria provided, multiple submitters, no conflicts (2 of 4 stars). 2 submissions from 2 submitters: Uncertain significance (2). Last evaluated 2025-04-16.

Allele frequency attached by ClinVar (database versions not stated): gnomAD exomes below 0.00001; TOPMed below 0.00001.
gnomAD v4.1: 2 of 1,614,190 alleles (0.00012%); highest among the groups gnomAD compares: African/African-American, 0.0027%; no homozygotes.

Submissions (2):

GeneDx
Classification: Uncertain significance. Last evaluated: 2025-04-16. Review status: criteria provided, single submitter. Criteria: GeneDx Variant Classification Process June 2021. Collection method: clinical testing. Allele origin: germline. Affected: yes.
Comment: Not observed at significant frequency in large population cohorts (gnomAD); In silico analysis supports that this missense variant has a deleterious effect on protein structure/function; Has not been previously published as pathogenic or benign to our knowledge

Labcorp Genetics (formerly Invitae), Labcorp
Classification: Uncertain significance. Last evaluated: 2022-09-19. Review status: criteria provided, single submitter. Criteria: Invitae Variant Classification Sherloc (09022015). Collection method: clinical testing. Allele origin: germline.
Comment: In summary, the available evidence is currently insufficient to determine the role of this variant in disease. Therefore, it has been classified as a Variant of Uncertain Significance. Advanced modeling of protein sequence and biophysical properties (such as structural, functional, and spatial information, amino acid conservation, physicochemical variation, residue mobility, and thermodynamic stability) performed at Invitae indicates that this missense variant is not expected to disrupt SCN3A protein function. This variant has not been reported in the literature in individuals affected with SCN3A-related conditions. This variant is not present in population databases (gnomAD no frequency). This sequence change replaces asparagine, which is neutral and polar, with tyrosine, which is neutral and polar, at codon 1116 of the SCN3A protein (p.Asn1116Tyr).

NM_006922.4(SCN3A):c.3346A>T (p.Asn1116Tyr)

Gene: SCN3A (sodium voltage-gated channel alpha subunit 3; minus strand). Cytogenetic location: 2q24.3.
Variant type: single nucleotide variant.
Coding change: c.3346A>T on transcript NM_006922.4 (MANE Select); coding-DNA position 3346, A replaced by T.
Protein change: p.Asn1116Tyr; replaces asparagine 1116 with tyrosine.
Molecular consequence: missense variant.
Genome position (GRCh38, 1-based): chr2:165,127,678, T>A on the plus strand (A>T on the coding strand, the complement: SCN3A is on the minus strand). VCF-style: chr2-165127678-T-A. GRCh37 (hg19) VCF-style: chr2-165984188-T-A.
Other names: c.3346A>T (NM_006922.3); c.3199A>T, p.Asn1067Tyr (NM_001081676.2, NM_001081677.2); short protein forms N1067Y, N1116Y.
Identifiers: ClinVar variation 1719132 (VCV001719132.6), dbSNP rs1687072234, ClinGen allele CA349040061.